The following is an entry in ClinVar:

ClinVar aggregate classification (germline): Uncertain significance (1 of 4 stars; one submission).

Conditions:
GREB1L-related disorder. Also called: GREB1L-related condition.

gnomAD v4.1: 23 of 1,551,562 alleles (0.0015%); highest among the groups gnomAD compares: Non-Finnish European, 0.002%; no homozygotes.

Submission:

PreventionGenetics, part of Exact Sciences
Classification: Uncertain significance for GREB1L-related condition. Last evaluated: 2025-01-24. Review status: criteria provided, single submitter. Criteria: ACMG Guidelines, 2015. Collection method: clinical testing. Allele origin: germline.
Comment: The GREB1L c.4547A>G variant is predicted to result in the amino acid substitution p.Lys1516Arg. To our knowledge, this variant has not been reported in the literature. This variant is reported in 0.0026% of alleles in individuals of European (non-Finnish) descent in gnomAD. At this time, the clinical significance of this variant is uncertain due to the absence of conclusive functional and genetic evidence.

NM_001142966.3(GREB1L):c.4547A>G (p.Lys1516Arg)

Gene: GREB1L (GREB1 like retinoic acid receptor coactivator; plus strand). Cytogenetic location: 18q11.2.
Variant type: single nucleotide variant.
Coding change: c.4547A>G on transcript NM_001142966.3 (MANE Select); coding-DNA position 4547, A replaced by G.
Protein change: p.Lys1516Arg; replaces lysine 1516 with arginine.
Molecular consequence: missense variant.
Genome position (GRCh38, 1-based): chr18:21,508,403, A>G. VCF-style: chr18-21508403-A-G. GRCh37 (hg19) VCF-style: chr18-19088364-A-G.
Other names: c.4676A>G, p.Lys1559Arg (NM_001410867.1); c.4220A>G, p.Lys1407Arg (NM_001410868.1); short protein forms K1559R, K1407R, K1516R.
Identifiers: ClinVar variation 4988387 (VCV004988387.1).